The following is an entry in ClinVar:

NM_000020.3(ACVRL1):c.121T>C (p.Cys41Arg)

Gene: ACVRL1 (activin A receptor like type 1; plus strand). Cytogenetic location: 12q13.13.
Variant type: single nucleotide variant.
Coding change: c.121T>C on transcript NM_000020.3 (MANE Select); coding-DNA position 121, T replaced by C.
Protein change: p.Cys41Arg; replaces cysteine 41 with arginine.
Molecular consequence: missense variant. On other transcripts: intron variant (1).
Genome position (GRCh38, 1-based): chr12:51,913,158, T>C. VCF-style: chr12-51913158-T-C. GRCh37 (hg19) VCF-style: chr12-52306942-T-C.
Other names: c.121T>C, p.Cys41Arg (NM_001077401.2, NM_001406487.1, NM_001406488.1 and 6 more transcripts); c.61+623T>C (NM_001406495.1); short protein forms C41R.
Identifiers: ClinVar variation 3721148 (VCV003721148.2).

ClinVar aggregate classification (germline): Pathogenic (1 of 4 stars; one submission).

Conditions:
Telangiectasia, hereditary hemorrhagic, type 2 (HHT2). Also called: Telangiectasia, hereditary hemorrhagic, type II; ACVRL1-Related Hereditary Hemorrhagic Telangiectasia. Identifiers: Orphanet 774, MedGen C1838163, MONDO:0010880, OMIM 600376. Disease mechanism: loss of function.

Submission:

Labcorp Genetics (formerly Invitae), Labcorp
Classification: Pathogenic for Telangiectasia, hereditary hemorrhagic, type 2. Last evaluated: 2024-06-12. Review status: criteria provided, single submitter. Criteria: Invitae Variant Classification Sherloc (09022015). Collection method: clinical testing. Allele origin: germline.
Comment: This sequence change replaces cysteine, which is neutral and slightly polar, with arginine, which is basic and polar, at codon 41 of the ACVRL1 protein (p.Cys41Arg). This variant is not present in population databases (gnomAD no frequency). This missense change has been observed in individuals with hereditary hemorrhagic telangiectasia (PMID: 16429404, 32300199). Advanced modeling of protein sequence and biophysical properties (such as structural, functional, and spatial information, amino acid conservation, physicochemical variation, residue mobility, and thermodynamic stability) performed at Invitae indicates that this missense variant is expected to disrupt ACVRL1 protein function with a positive predictive value of 95%. This variant affects a cysteine residue located within the ACVRL1 protein ectodomain. Cysteine residues in this domain of ACVRL1 are involved in the formation of disulfide bridges critical for protein structure and stability (PMID: 22028876, 22718755, 22799562). In addition, missense substitutions within the ACVRL1 ectodomain affecting cysteine residues are overrepresented in patients with HHT (PMID: 20501893, 26176610 and an online resource). This variant disrupts the p.Cys41 amino acid residue in ACVRL1. Other variant(s) that disrupt this residue have been determined to be pathogenic (PMID: 26176610; Invitae). This suggests that this residue is clinically significant, and that variants that disrupt this residue are likely to be disease-causing. For these reasons, this variant has been classified as Pathogenic.

Literature cited by the submitters: PubMed 16429404; PubMed 32300199; PubMed 22028876; PubMed 22718755; PubMed 22799562; PubMed 20501893; PubMed 26176610.